The following is an entry in ClinVar:

ClinVar aggregate classification (germline): Uncertain significance (1 of 4 stars; one submission).

Submission:

Labcorp Genetics (formerly Invitae), Labcorp
Classification: Uncertain significance. Last evaluated: 2020-01-23. Review status: criteria provided, single submitter. Criteria: Invitae Variant Classification Sherloc (09022015). Collection method: clinical testing. Allele origin: germline.
Comment: In summary, the available evidence is currently insufficient to determine the role of this variant in disease. Therefore, it has been classified as a Variant of Uncertain Significance. Experimental studies and prediction algorithms are not available or were not evaluated, and the functional significance of this variant is currently unknown. This variant has not been reported in the literature in individuals with LZTR1-related conditions. This variant is an in-frame deletion of the genomic region encompassing exon 3 of the LZTR1 gene. It preserves the integrity of the reading frame.

NC_000022.10:g.(?_21340117)_(21340196_?)del

Gene: LZTR1 (leucine zipper like post translational regulator 1; plus strand). Cytogenetic location: 22q11.21.
Variant type: Deletion.
Identifiers: ClinVar variation 1024830 (VCV001024830.5).